The following is an entry in ClinVar:

NM_015910.7(WDPCP):c.1748+10_1748+12del

Gene: WDPCP (WD repeat containing planar cell polarity effector; minus strand). Cytogenetic location: 2p15.
Variant type: Deletion.
Coding change: c.1748+10_1748+12del on transcript NM_015910.7 (MANE Select); bases 10 to 12 of the intron after coding-DNA position 1748, 3 bases deleted (ATG; older notation c.1748+10_1748+12delATG).
Molecular consequence: intron variant.
Genome position (GRCh38, 1-based): chr2:63,378,374-63,378,376, CAT deleted on the plus strand (ATG on the coding strand, the reverse complement: WDPCP is on the minus strand). VCF-style (leftmost placement, unchanged base first): chr2-63378373-ACAT-A. GRCh37 (hg19) VCF-style: chr2-63605508-ACAT-A.
Other names: c.1676+10_1676+12del (NM_001354044.2); c.1271+10_1271+12del (NM_001042692.3); c.1748+10_1748+12del (NM_001354045.2).
Identifiers: ClinVar variation 4992403 (VCV004992403.1).

ClinVar aggregate classification (germline): Uncertain significance (1 of 4 stars; one submission).

Conditions:
WDPCP-related disorder. Also called: WDPCP-related condition.

Submission:

PreventionGenetics, part of Exact Sciences
Classification: Uncertain significance for WDPCP-related condition. Last evaluated: 2025-09-02. Review status: criteria provided, single submitter. Criteria: ACMG Guidelines, 2015. Collection method: clinical testing. Allele origin: germline.
Comment: The WDPCP c.1748+10_1748+12delATG variant is predicted to result in an intronic deletion. To our knowledge, this variant has not been reported in the literature. This variant is reported in 0.0065% of alleles in individuals of African descent in gnomAD. At this time, the clinical significance of this variant is uncertain due to the absence of conclusive functional and genetic evidence.